The following is an entry in ClinVar:

ClinVar aggregate classification (germline): Likely benign. Review status: criteria provided, multiple submitters, no conflicts (2 of 4 stars). 3 submissions from 3 submitters: Likely benign (2). 1 of the submissions does not count toward it. Last evaluated 2025-10-23.

Conditions:
Congenital disorder of glycosylation type Ir (CDG1R). Also called: DDOST-congenital disorder of glycosylation. Identifiers: Orphanet 300536, MedGen C3281084, MONDO:0013789, OMIM 614507.
DDOST-related disorder. Also called: DDOST-related condition.

Allele frequency attached by ClinVar (database versions not stated): gnomAD exomes 0.00003 and 0.00016; ESP Exome Variant Server 0.00008; ExAC 0.00009; gnomAD 0.00009; TOPMed 0.00009.
gnomAD v4.1: 228 of 1,554,846 alleles (0.015%); highest among the groups gnomAD compares: Non-Finnish European, 0.019%; no homozygotes.

Submissions (3):

Labcorp Genetics (formerly Invitae), Labcorp
Classification: Likely benign for Congenital disorder of glycosylation type Ir. Last evaluated: 2025-10-23. Review status: criteria provided, single submitter. Criteria: Invitae Variant Classification Sherloc (09022015). Collection method: clinical testing. Allele origin: germline.

Blueprint Genetics
Classification: Likely benign. Last evaluated: 2024-09-12. Review status: criteria provided, single submitter. Criteria: ACMG Guidelines, 2015. Collection method: clinical testing. Allele origin: germline.

PreventionGenetics, part of Exact Sciences
Classification: Likely benign for DDOST-related condition. Last evaluated: 2019-07-11. Review status: no assertion criteria provided. Collection method: clinical testing. Allele origin: germline. Not counted in ClinVar's aggregate classification.
Comment: This variant is classified as likely benign based on ACMG/AMP sequence variant interpretation guidelines (Richards et al. 2015 PMID: 25741868, with internal and published modifications).

NM_005216.5(DDOST):c.645+9T>C

Gene: DDOST (dolichyl-diphosphooligosaccharide--protein glycosyltransferase non-catalytic subunit; minus strand). Cytogenetic location: 1p36.12.
Variant type: single nucleotide variant.
Coding change: c.645+9T>C on transcript NM_005216.5 (MANE Select); 9 bases into the intron after coding-DNA position 645, T replaced by C.
Molecular consequence: intron variant.
Genome position (GRCh38, 1-based): chr1:20,654,605, A>G on the plus strand (T>C on the coding strand, the complement: DDOST is on the minus strand). VCF-style: chr1-20654605-A-G. GRCh37 (hg19) VCF-style: chr1-20981098-A-G.
Other names: c.696+9T>C (NM_005216.4).
Identifiers: ClinVar variation 1158163 (VCV001158163.12), dbSNP rs374229790, ClinGen allele CA661165.